The following is an entry in ClinVar:

ClinVar aggregate classification (germline): Likely benign (1 of 4 stars; one submission).

Allele frequency attached by ClinVar (database versions not stated): gnomAD exomes 0.00020; TOPMed 0.00156; gnomAD 0.00162; 1000 Genomes Project 30x 0.00187; 1000 Genomes Project 0.00200.
gnomAD v4.1: 319 of 542,970 alleles (0.059%); highest among the groups gnomAD compares: African/African-American, 0.57%; 1 homozygote.

Submission:

CeGaT Center for Human Genetics Tuebingen
Classification: Likely benign. Last evaluated: 2022-06-01. Review status: criteria provided, single submitter. Criteria: CeGaT Center For Human Genetics Tuebingen Variant Classification Criteria Version 2. Collection method: clinical testing. Allele origin: germline. Affected: yes. Observed: 1 variant allele.
Comment: NPHP1: BS2

NM_001128178.3(NPHP1):c.*206C>G

Gene: NPHP1 (nephrocystin 1; minus strand). Cytogenetic location: 2q13.
Variant type: single nucleotide variant.
Coding change: c.*206C>G on transcript NM_001128178.3 (MANE Select); 206 bases downstream of the stop codon, C replaced by G.
Molecular consequence: 3 prime UTR variant.
Genome position (GRCh38, 1-based): chr2:110,123,585, G>C on the plus strand (C>G on the coding strand, the complement: NPHP1 is on the minus strand). VCF-style: chr2-110123585-G-C. GRCh37 (hg19) VCF-style: chr2-110881162-G-C.
Other names: c.*206C>G (NM_000272.5, NM_001128179.3, NM_001374256.1 and 1 more transcripts); c.*482C>G (NM_001374257.1).
Identifiers: ClinVar variation 2651263 (VCV002651263.24), dbSNP rs139901700, ClinGen allele CA53520163.